The following is an entry in ClinVar:

ClinVar aggregate classification (germline): Uncertain significance. Review status: criteria provided, multiple submitters, no conflicts (2 of 4 stars). 2 submissions from 2 submitters: Uncertain significance (2). Last evaluated 2025-10-11.

Conditions:
Hereditary cancer-predisposing syndrome. Also called: Neoplastic Syndromes, Hereditary; Hereditary Cancer Syndrome; Tumor predisposition; Hereditary neoplastic syndrome. Identifiers: Orphanet 140162, MedGen C0027672, MeSH D009386, MONDO:0015356.
Ataxia-telangiectasia syndrome (AT). Also called: LOUIS-BAR SYNDROME; Cerebello-oculocutaneous telangiectasia; Immunodeficiency with ataxia telangiectasia; Ataxia-telangiectasia, complementation group D; AT, COMPLEMENTATION GROUP C; Ataxia-telangiectasia, complementation group E. Identifiers: Orphanet 100, MedGen C0004135, MONDO:0008840, OMIM 208900.

Submissions (2):

Labcorp Genetics (formerly Invitae), Labcorp
Classification: Uncertain significance for Ataxia-telangiectasia syndrome. Last evaluated: 2025-10-11. Review status: criteria provided, single submitter. Criteria: Invitae Variant Classification Sherloc (09022015). Collection method: clinical testing. Allele origin: germline.
Comment: This sequence change replaces leucine, which is neutral and non-polar, with valine, which is neutral and non-polar, at codon 2952 of the ATM protein (p.Leu2952Val). This variant is not present in population databases (gnomAD no frequency). This variant has not been reported in the literature in individuals affected with ATM-related conditions. ClinVar contains an entry for this variant (Variation ID: 453752). Invitae Evidence Modeling of protein sequence and biophysical properties (such as structural, functional, and spatial information, amino acid conservation, physicochemical variation, residue mobility, and thermodynamic stability) indicates that this missense variant is not expected to disrupt ATM protein function with a negative predictive value of 95%. In summary, the available evidence is currently insufficient to determine the role of this variant in disease. Therefore, it has been classified as a Variant of Uncertain Significance.

Ambry Genetics
Classification: Uncertain significance for Hereditary cancer-predisposing syndrome. Last evaluated: 2025-01-07. Review status: criteria provided, single submitter. Criteria: Ambry Variant Classification Scheme 2023. Collection method: clinical testing. Allele origin: germline.
Comment: The p.L2952V variant (also known as c.8854C>G), located in coding exon 61 of the ATM gene, results from a C to G substitution at nucleotide position 8854. The leucine at codon 2952 is replaced by valine, an amino acid with highly similar properties. This amino acid position is conserved. In addition, this alteration is predicted to be deleterious by in silico analysis. Based on the available evidence, the clinical significance of this variant remains unclear.

NM_000051.4(ATM):c.8854C>G (p.Leu2952Val)

Genes: ATM (ATM serine/threonine kinase; plus strand), C11orf65 (chromosome 11 open reading frame 65; minus strand). Cytogenetic location: 11q22.3.
Variant type: single nucleotide variant.
Coding change: c.8854C>G on transcript NM_000051.4 (MANE Select); coding-DNA position 8854, C replaced by G.
Protein change: p.Leu2952Val; replaces leucine 2952 with valine.
Molecular consequence: missense variant. On other transcripts: intron variant (2).
Genome position (GRCh38, 1-based): chr11:108,365,085, C>G. VCF-style: chr11-108365085-C-G. GRCh37 (hg19) VCF-style: chr11-108235812-C-G.
Other names: c.694+20835G>C (NM_001351110.2); c.8854C>G, p.Leu2952Val (NM_001351834.2); c.640+20835G>C (NM_001330368.2); short protein forms L2952V.
Identifiers: ClinVar variation 453752 (VCV000453752.11), dbSNP rs1555151218, ClinGen allele CA382529542.